The following is an entry in ClinVar:

ClinVar aggregate classification (germline): Uncertain significance (1 of 4 stars; one submission).

Conditions:
Ullrich congenital muscular dystrophy 2 (UCMD2). Identifiers: Orphanet 75840, MedGen C4225314, MONDO:0014654, OMIM 616470.
Bethlem myopathy 2 (BTHLM2). Identifiers: Orphanet 536516, Orphanet 610, MedGen C4225313, MONDO:0034022, OMIM 616471.

Submission:

Labcorp Genetics (formerly Invitae), Labcorp
Classification: Uncertain significance for Bethlem myopathy 2; Ullrich congenital muscular dystrophy 2. Last evaluated: 2025-07-13. Review status: criteria provided, single submitter. Criteria: Invitae Variant Classification Sherloc (09022015). Collection method: clinical testing. Allele origin: germline.
Comment: This sequence change replaces tyrosine, which is neutral and polar, with cysteine, which is neutral and slightly polar, at codon 1943 of the COL12A1 protein (p.Tyr1943Cys). This variant is not present in population databases (gnomAD no frequency). This variant has not been reported in the literature in individuals affected with COL12A1-related conditions. Invitae Evidence Modeling of protein sequence and biophysical properties (such as structural, functional, and spatial information, amino acid conservation, physicochemical variation, residue mobility, and thermodynamic stability) has been performed for this missense variant. However, the output from this modeling did not meet the statistical confidence thresholds required to predict the impact of this variant on COL12A1 protein function. In summary, the available evidence is currently insufficient to determine the role of this variant in disease. Therefore, it has been classified as a Variant of Uncertain Significance.

NM_004370.6(COL12A1):c.5828A>G (p.Tyr1943Cys)

Gene: COL12A1 (collagen type XII alpha 1 chain; minus strand). Cytogenetic location: 6q13.
Variant type: single nucleotide variant.
Coding change: c.5828A>G on transcript NM_004370.6 (MANE Select); coding-DNA position 5828, A replaced by G.
Protein change: p.Tyr1943Cys; replaces tyrosine 1943 with cysteine.
Molecular consequence: missense variant.
Genome position (GRCh38, 1-based): chr6:75,132,049, T>C on the plus strand (A>G on the coding strand, the complement: COL12A1 is on the minus strand). VCF-style: chr6-75132049-T-C. GRCh37 (hg19) VCF-style: chr6-75841765-T-C.
Other names: c.5828A>G, p.Tyr1943Cys (NM_001424113.1); c.5807A>G, p.Tyr1936Cys (NM_001424114.1); c.5555A>G, p.Tyr1852Cys (NM_001424115.1); c.2336A>G, p.Tyr779Cys (NM_001424116.1, NM_080645.3); short protein forms Y779C, Y1852C, Y1936C, Y1943C.
Identifiers: ClinVar variation 4782583 (VCV004782583.1).